The following is an entry in ClinVar:

NM_000059.4(BRCA2):c.1205G>T (p.Gly402Val)

Gene: BRCA2 (BRCA2 DNA repair associated; plus strand). Cytogenetic location: 13q13.1.
Variant type: single nucleotide variant.
Coding change: c.1205G>T on transcript NM_000059.4 (MANE Select); coding-DNA position 1205, G replaced by T.
Protein change: p.Gly402Val; replaces glycine 402 with valine.
Molecular consequence: missense variant.
Genome position (GRCh38, 1-based): chr13:32,332,683, G>T. VCF-style: chr13-32332683-G-T. GRCh37 (hg19) VCF-style: chr13-32906820-G-T.
Other names: short protein forms G402V.
Identifiers: ClinVar variation 1444598 (VCV001444598.7), dbSNP rs1566223012, ClinGen allele CA387762076.

ClinVar aggregate classification (germline): Conflicting classifications of pathogenicity. Review status: criteria provided, conflicting classifications (1 of 4 stars). 2 submissions from 2 submitters: Uncertain significance (1); Likely benign (1). Last evaluated 2023-03-23.

Conditions:
Hereditary breast ovarian cancer syndrome. Also called: Hereditary breast and ovarian cancer; Hereditary breast and ovarian cancer syndrome; Breast and ovarian cancer; BRCA1- and BRCA2-Associated Hereditary Breast and Ovarian Cancer; Hereditary breast and/or ovarian cancer syndrome; Hereditary breast and ovarian cancer syndrome (HBOC). Identifiers: Orphanet 145, MedGen C0677776, MeSH D061325, MONDO:0003582. Disease mechanism: loss of function.
Hereditary cancer-predisposing syndrome. Also called: Tumor predisposition; Hereditary Cancer Syndrome; Hereditary neoplastic syndrome; Neoplastic Syndromes, Hereditary. Identifiers: Orphanet 140162, MedGen C0027672, MeSH D009386, MONDO:0015356.

Submissions (2):

University of Washington Department of Laboratory Medicine, University of Washington
Classification: Likely benign for Hereditary cancer-predisposing syndrome. Last evaluated: 2023-03-23. Review status: criteria provided, single submitter. Criteria: Dines et al. (Genet Med. 2020). Collection method: curation. Allele origin: germline.
Comment: Missense variant in a coldspot region where missense variants are very unlikely to be pathogenic (PMID:31911673).

BRCA2 exon 10 coldspot. Reclassification based on statistical prior probability.

Labcorp Genetics (formerly Invitae), Labcorp
Classification: Uncertain significance for Hereditary breast ovarian cancer syndrome. Last evaluated: 2021-10-24. Review status: criteria provided, single submitter. Criteria: Invitae Variant Classification Sherloc (09022015). Collection method: clinical testing. Allele origin: germline.
Comment: In summary, the available evidence is currently insufficient to determine the role of this variant in disease. Therefore, it has been classified as a Variant of Uncertain Significance. Advanced modeling of protein sequence and biophysical properties (such as structural, functional, and spatial information, amino acid conservation, physicochemical variation, residue mobility, and thermodynamic stability) performed at Invitae indicates that this missense variant is not expected to disrupt BRCA2 protein function. This variant has not been reported in the literature in individuals affected with BRCA2-related conditions. This variant is not present in population databases (ExAC no frequency). This sequence change replaces glycine with valine at codon 402 of the BRCA2 protein (p.Gly402Val). The glycine residue is moderately conserved and there is a moderate physicochemical difference between glycine and valine.